The following is an entry in ClinVar:

ClinVar aggregate classification (germline): Uncertain significance (1 of 4 stars; one submission).

Allele frequency attached by ClinVar (database versions not stated): gnomAD exomes below 0.00001.
gnomAD v4.1: 2 of 1,613,682 alleles (0.00012%); highest among the groups gnomAD compares: Non-Finnish European, 0.00017%; no homozygotes.

Submission:

Labcorp Genetics (formerly Invitae), Labcorp
Classification: Uncertain significance. Last evaluated: 2026-01-12. Review status: criteria provided, single submitter. Criteria: Invitae Variant Classification Sherloc (09022015). Collection method: clinical testing. Allele origin: germline.
Comment: This sequence change disrupts the translational stop signal of the MAD2L2 mRNA. It is expected to extend the length of the MAD2L2 protein by 20 additional amino acid residues. This variant is not present in population databases (gnomAD no frequency). This variant has not been reported in the literature in individuals affected with MAD2L2-related conditions. ClinVar contains an entry for this variant (Variation ID: 2094927). In summary, the available evidence is currently insufficient to determine the role of this variant in disease. Therefore, it has been classified as a Variant of Uncertain Significance.

NM_006341.4(MAD2L2):c.634T>C (p.Ter212Arg)

Gene: MAD2L2 (mitotic arrest deficient 2 like 2; minus strand). Cytogenetic location: 1p36.22.
Variant type: single nucleotide variant.
Coding change: c.634T>C on transcript NM_006341.4 (MANE Select); coding-DNA position 634, T replaced by C.
Protein change: p.Ter212Arg.
Molecular consequence: stop lost.
Genome position (GRCh38, 1-based): chr1:11,674,777, A>G on the plus strand (T>C on the coding strand, the complement: MAD2L2 is on the minus strand). VCF-style: chr1-11674777-A-G. GRCh37 (hg19) VCF-style: chr1-11734834-A-G.
Other names: c.634T>C, p.Ter212Arg (NM_001127325.2).
Identifiers: ClinVar variation 2094927 (VCV002094927.4), dbSNP rs2521905708, ClinGen allele CA338414668.
Genomic context (GRCh38, chr1:11,674,777, plus strand): 5'-AGGCGGGGATCCCCCAAAGTCTGACAGTTTGGGCATCAGTGGGGTGGCAGGTGCCCCCTC[A>G]GCTGCCTTTATGAGCGCGCTCTTCCACGTAAAGCTGCATCTGACGGACACAAGCAAACAG-3'